The following is an entry in ClinVar:

NC_000005.10:g.112707399A>G

Gene: APC (APC regulator of Wnt signaling pathway; plus strand). Cytogenetic location: 5q22.2.
Variant type: single nucleotide variant.
Genome position: GRCh38 VCF-style: chr5-112707399-A-G. GRCh37 (hg19) VCF-style: chr5-112043096-A-G.
Identifiers: ClinVar variation 655632 (VCV000655632.10), dbSNP rs1580995476, ClinGen allele CA915943569.

ClinVar aggregate classification (germline): Uncertain significance (1 of 4 stars; one submission).

Conditions:
Familial adenomatous polyposis 1 (FAP1). Also called: FAMILIAL ADENOMATOUS POLYPOSIS 1, ATTENUATED; POLYPOSIS, ADENOMATOUS INTESTINAL. Identifiers: MedGen C2713442, MONDO:0021056, OMIM 175100. Disease mechanism: loss of function.
Attenuated familial adenomatous polyposis (AFAP). Also called: Attenuated FAP. Identifiers: Orphanet 220460, MedGen C2674616, MONDO:0016362.
Gastric adenocarcinoma and proximal polyposis of the stomach (GAPPS). Also called: Gastric Adenocarcinoma and Proximal Polyposis of the Stomach (GAPPS); Polyposis, gastric, Dos Santos and de Magalhaes 1980; POLYPOSIS, GASTRIC. Identifiers: Orphanet 314022, MedGen C4749917, MONDO:0017790, OMIM 619182.

Allele frequency attached by ClinVar (database versions not stated): gnomAD exomes 0.00003; TOPMed below 0.00001.

Submission:

Labcorp Genetics (formerly Invitae), Labcorp
Classification: Uncertain significance for Familial adenomatous polyposis 1. Last evaluated: 2025-11-10. Review status: criteria provided, single submitter. Criteria: Invitae Variant Classification Sherloc (09022015). Collection method: clinical testing. Allele origin: germline.
Comment: This variant occurs in a non-coding region of the APC gene. It does not change the encoded amino acid sequence of the APC protein. This variant is not present in population databases (gnomAD no frequency). This variant has not been reported in the literature in individuals affected with APC-related conditions. ClinVar contains an entry for this variant (Variation ID: 655632). Experimental studies and prediction algorithms are not available or were not evaluated, and the functional significance of this variant is currently unknown. In summary, the available evidence is currently insufficient to determine the role of this variant in disease. Therefore, it has been classified as a Variant of Uncertain Significance.